The following is an entry in ClinVar:

NM_000548.5(TSC2):c.5331T>C (p.Pro1777=)

Gene: TSC2 (TSC complex subunit 2; plus strand). Cytogenetic location: 16p13.3.
Variant type: single nucleotide variant.
Coding change: c.5331T>C on transcript NM_000548.5 (MANE Select); coding-DNA position 5331, T replaced by C.
Protein change: p.Pro1777=; no amino-acid change (proline 1777 retained).
Molecular consequence: synonymous variant.
Genome position (GRCh38, 1-based): chr16:2,088,517, T>C. VCF-style: chr16-2088517-T-C. GRCh37 (hg19) VCF-style: chr16-2138518-T-C.
Other names: c.5130T>C, p.Pro1710= (NM_001077183.3); c.5262T>C, p.Pro1754= (NM_001114382.3); c.5022T>C, p.Pro1674= (NM_001318827.2); c.4986T>C, p.Pro1662= (NM_001318829.2); c.4599T>C, p.Pro1533= (NM_001318831.2); c.5163T>C, p.Pro1721= (NM_001318832.2); c.5133T>C, p.Pro1711= (NM_001363528.2); c.5199T>C, p.Pro1733= (NM_001370404.1); and 2 more.
Identifiers: ClinVar variation 65127 (VCV000065127.35), dbSNP rs370820622, ClinGen allele CA022397.

ClinVar aggregate classification (germline): Benign/Likely benign. Review status: criteria provided, multiple submitters, no conflicts (2 of 4 stars). 12 submissions from 12 submitters: Benign (2); Likely benign (9). 1 of the submissions does not count toward it. Last evaluated 2026-01-27.

Conditions:
Lymphangiomyomatosis (LAM). Also called: Lymphangioleiomyomatosis; Lymphangioleiomyomatosis, somatic. Identifiers: Orphanet 538, MedGen C0751674, MONDO:0011705, OMIM 606690.
Isolated focal cortical dysplasia type II (FCORD2). Also called: CORTICAL DYSPLASIA OF TAYLOR; Focal cortical dysplasia type II. Identifiers: Orphanet 268994, MedGen C1846385, MONDO:0011818, OMIM 607341, HP:0032051.
Tuberous sclerosis 2 (TSC2). Identifiers: Orphanet 805, MedGen C1860707, MONDO:0013199, OMIM 613254.
Hereditary cancer-predisposing syndrome. Also called: Hereditary Cancer Syndrome; Tumor predisposition; Neoplastic Syndromes, Hereditary; Hereditary neoplastic syndrome. Identifiers: Orphanet 140162, MedGen C0027672, MeSH D009386, MONDO:0015356.
Tuberous sclerosis syndrome (TSC). Also called: Tuberous Sclerosis Complex; Tuberous sclerosis. Identifiers: Orphanet 805, MedGen C0041341, MONDO:0001734.

Allele frequency attached by ClinVar (database versions not stated): ExAC 0.00002; gnomAD 0.00004 and 0.00002; TOPMed 0.00005; gnomAD exomes 0.00002.
gnomAD v4.1: 39 of 1,612,478 alleles (0.0024%); highest among the groups gnomAD compares: African/African-American, 0.02%; no homozygotes.

Submissions (12):

Labcorp Genetics (formerly Invitae), Labcorp
Classification: Likely benign for Tuberous sclerosis 2. Last evaluated: 2026-01-27. Review status: criteria provided, single submitter. Criteria: Invitae Variant Classification Sherloc (09022015). Collection method: clinical testing. Allele origin: germline.

Myriad Genetics, Inc.
Classification: Benign for Tuberous sclerosis 2. Last evaluated: 2025-06-09. Review status: criteria provided, single submitter. Criteria: Myriad Autosomal Dominant, Autosomal Recessive and X-Linked Classification Criteria (2023). Collection method: clinical testing. Allele origin: unknown.
Comment: This variant is considered benign. This variant is a silent/synonymous amino acid change and it is not expected to impact splicing.

CeGaT Center for Human Genetics Tuebingen
Classification: Likely benign. Last evaluated: 2025-06-01. Review status: criteria provided, single submitter. Criteria: CeGaT Center For Human Genetics Tuebingen Variant Classification Criteria Version 2. Collection method: clinical testing. Allele origin: germline. Affected: yes. Observed: 1 variant allele.
Comment: TSC2: BP4, BP7

All of Us Research Program, National Institutes of Health
Classification: Likely benign for Tuberous sclerosis syndrome. Last evaluated: 2024-07-29. Review status: criteria provided, single submitter. Criteria: ACMG Guidelines, 2015. Collection method: clinical testing. Allele origin: germline. Inheritance: Autosomal dominant inheritance. Observed: 12 variant alleles, 12 heterozygotes.
Comment: This study involves interpretation of variants in research participants for the purpose of population health screening. Participant phenotype was not available at the time of variant classification. Additional details can be found in publication PMID: 35346344, PMCID: PMC8962531

Blueprint Genetics
Classification: Likely benign. Last evaluated: 2023-12-01. Review status: criteria provided, single submitter. Criteria: ACMG Guidelines, 2015. Collection method: clinical testing. Allele origin: germline.

Color Diagnostics, LLC DBA Color Health
Classification: Likely benign for Tuberous sclerosis syndrome. Last evaluated: 2022-11-06. Review status: criteria provided, single submitter. Criteria: ACMG Guidelines, 2015. Collection method: clinical testing. Allele origin: germline.

Fulgent Genetics
Classification: Likely benign for Lymphangiomyomatosis; Isolated focal cortical dysplasia type II; Tuberous sclerosis 2. Last evaluated: 2021-11-24. Review status: criteria provided, single submitter. Criteria: ACMG Guidelines, 2015. Collection method: clinical testing. Allele origin: unknown.

Genome-Nilou Lab
Classification: Benign for Tuberous sclerosis 2. Last evaluated: 2021-11-07. Review status: criteria provided, single submitter. Criteria: ACMG Guidelines, 2015. Collection method: clinical testing. Allele origin: germline. Affected: no.

Sema4
Classification: Likely benign for Hereditary cancer-predisposing syndrome. Last evaluated: 2021-07-07. Review status: criteria provided, single submitter. Criteria: Sema4 Curation Guidelines. Collection method: curation. Allele origin: germline.

GeneDx
Classification: Likely benign. Last evaluated: 2021-02-24. Review status: criteria provided, single submitter. Criteria: GeneDx Variant Classification Process June 2021. Collection method: clinical testing. Allele origin: germline. Affected: yes.

Ambry Genetics
Classification: Likely benign for Hereditary cancer-predisposing syndrome. Last evaluated: 2016-06-24. Review status: criteria provided, single submitter. Criteria: Ambry Variant Classification Scheme 2023. Collection method: clinical testing. Allele origin: germline.

Tuberous sclerosis database (TSC2)
No classification provided. Condition: TSC. Review status: no classification provided. Criteria: Tuberous Sclerosis Database Assertion Criteria 2015. Collection method: curation. Allele origin: germline. Affected: yes. Not counted in ClinVar's aggregate classification.